The following is an entry in ClinVar:

ClinVar aggregate classification (germline): Uncertain significance. Review status: criteria provided, multiple submitters, no conflicts (2 of 4 stars). 3 submissions from 3 submitters: Uncertain significance (3). Last evaluated 2025-02-22.

Conditions:
Familial thoracic aortic aneurysm and aortic dissection (TAAD). Also called: Thoracic aortic aneurysms and dissections. Identifiers: Orphanet 91387, MedGen C4707243, MONDO:0019625.
Aortic aneurysm, familial thoracic 4 (AAT4). Also called: AORTIC ANEURYSM/AORTIC DISSECTION AND PATENT DUCTUS ARTERIOSUS. Identifiers: MedGen C1851504, MONDO:0007568, OMIM 132900.

Allele frequency attached by ClinVar (database versions not stated): gnomAD 0.00001; TOPMed 0.00003.
gnomAD v4.1: 3 of 1,614,004 alleles (0.00019%); highest among the groups gnomAD compares: African/African-American, 0.0013%; no homozygotes.

Submissions (3):

Ambry Genetics
Classification: Uncertain significance for Familial thoracic aortic aneurysm and aortic dissection. Last evaluated: 2025-02-22. Review status: criteria provided, single submitter. Criteria: Ambry Variant Classification Scheme 2023. Collection method: clinical testing. Allele origin: germline.
Comment: The p.G72R variant (also known as c.214G>A), located in coding exon 1 of the MYH11 gene, results from a G to A substitution at nucleotide position 214. The glycine at codon 72 is replaced by arginine, an amino acid with dissimilar properties. This amino acid position is conserved. In addition, this alteration is predicted to be tolerated by in silico analysis. Based on the available evidence, the clinical significance of this variant remains unclear.

All of Us Research Program, National Institutes of Health
Classification: Uncertain significance for Familial thoracic aortic aneurysm and aortic dissection. Last evaluated: 2023-06-28. Review status: criteria provided, single submitter. Criteria: ACMG Guidelines, 2015. Collection method: clinical testing. Allele origin: germline. Inheritance: Autosomal dominant inheritance. Observed: 1 variant allele, 1 heterozygote.
Comment: This study involves interpretation of variants in research participants for the purpose of population health screening. Participant phenotype was not available at the time of variant classification. Additional details can be found in publication PMID: 35346344, PMCID: PMC8962531

Labcorp Genetics (formerly Invitae), Labcorp
Classification: Uncertain significance for Aortic aneurysm, familial thoracic 4. Last evaluated: 2021-10-11. Review status: criteria provided, single submitter. Criteria: Invitae Variant Classification Sherloc (09022015). Collection method: clinical testing. Allele origin: germline.
Comment: This sequence change replaces glycine with arginine at codon 72 of the MYH11 protein (p.Gly72Arg). The glycine residue is moderately conserved and there is a moderate physicochemical difference between glycine and arginine. This variant is not present in population databases (ExAC no frequency). This variant has not been reported in the literature in individuals affected with MYH11-related conditions. Algorithms developed to predict the effect of missense changes on protein structure and function are either unavailable or do not agree on the potential impact of this missense change (SIFT: "Deleterious"; PolyPhen-2: "Possibly Damaging"; Align-GVGD: "Class C0"). Algorithms developed to predict the effect of sequence changes on RNA splicing suggest that this variant may create or strengthen a splice site. In summary, the available evidence is currently insufficient to determine the role of this variant in disease. Therefore, it has been classified as a Variant of Uncertain Significance.

NM_002474.3(MYH11):c.214G>A (p.Gly72Arg)

Gene: MYH11 (myosin heavy chain 11; minus strand). Cytogenetic location: 16p13.11.
Variant type: single nucleotide variant.
Coding change: c.214G>A on transcript NM_002474.3 (MANE Select); coding-DNA position 214, G replaced by A.
Protein change: p.Gly72Arg; replaces glycine 72 with arginine.
Molecular consequence: missense variant.
Genome position (GRCh38, 1-based): chr16:15,838,039, C>T on the plus strand (G>A on the coding strand, the complement: MYH11 is on the minus strand). VCF-style: chr16-15838039-C-T. GRCh37 (hg19) VCF-style: chr16-15931896-C-T.
Other names: c.214G>A (NM_002474.2); c.214G>A, p.Gly72Arg (NM_001040113.2, NM_001040114.2, NM_022844.3); short protein forms G72R.
Identifiers: ClinVar variation 1409813 (VCV001409813.5), dbSNP rs2043948568, ClinGen allele CA395198429.
Genomic context (GRCh38, chr16:15,838,039, plus strand): 5'-CCGCCATGTCCTCCACCTTGGAGAACTTGGGTGGGTTCATCTTCTGGATGTCATCTTTCC[C>T]AACCGTGACCTTCTTGCCATTCTCCACCAGCTCCACAACCACCTCATCCCCCTTCTCCTC-3'
Protein context (NP_002465.1, residues 62-82): LVENGKKVTV[Gly72Arg]KDDIQKMNPP